The following is an entry in ClinVar:

NM_002769.5(PRSS1):c.508A>G (p.Lys170Glu)

Genes: PRSS1 (serine protease 1; plus strand), TRB (T cell receptor beta locus; plus strand). Cytogenetic location: 7q34.
Variant type: single nucleotide variant.
Coding change: c.508A>G on transcript NM_002769.5 (MANE Select); coding-DNA position 508, A replaced by G.
Protein change: p.Lys170Glu; replaces lysine 170 with glutamic acid.
Molecular consequence: missense variant.
Genome position (GRCh38, 1-based): chr7:142,752,484, A>G. VCF-style: chr7-142752484-A-G. GRCh37 (hg19) VCF-style: chr7-142460335-A-G.
Other names: short protein forms K170E.
Identifiers: ClinVar variation 518381 (VCV000518381.24), dbSNP rs201550522, ClinGen allele CA4530041.
Genomic context (GRCh38, chr7:142,752,484, plus strand): 5'-CTCACAGCCGACTACCCAGACGAGCTGCAGTGCCTGGATGCTCCTGTGCTGAGCCAGGCT[A>G]AGTGTGAAGCCTCCTACCCTGGAAAGATTACCAGCAACATGTTCTGTGTGGGCTTCCTTG-3'
Protein context (NP_002760.1, residues 160-180): CLDAPVLSQA[Lys170Glu]CEASYPGKIT

ClinVar aggregate classification (germline): Conflicting classifications of pathogenicity. Review status: criteria provided, conflicting classifications (1 of 4 stars). 6 submissions from 6 submitters: Uncertain significance (2); Benign (2); Likely benign (2). Last evaluated 2026-01-30.

Conditions:
Hereditary pancreatitis (PCTT). Also called: Hereditary chronic pancreatitis; PRSS1-Related Hereditary Pancreatitis. Identifiers: Orphanet 676, MedGen C0238339, MONDO:0008185, OMIM 167800.

Allele frequency attached by ClinVar (database versions not stated): gnomAD 0.00006 and 0.00033; gnomAD exomes 0.00068; 1000 Genomes Project 30x 0.00125; 1000 Genomes Project 0.00160; ExAC 0.49999.
gnomAD v4.1: 1,056 of 1,614,114 alleles (0.065%); highest among the groups gnomAD compares: South Asian, 1.1%; 17 homozygotes.

Submissions (6):

Labcorp Genetics (formerly Invitae), Labcorp
Classification: Likely benign for Hereditary pancreatitis. Last evaluated: 2026-01-30. Review status: criteria provided, single submitter. Criteria: Invitae Variant Classification Sherloc (09022015). Collection method: clinical testing. Allele origin: germline.

Women's Health and Genetics/Laboratory Corporation of America, LabCorp
Classification: Likely benign. Last evaluated: 2025-05-08. Review status: criteria provided, single submitter. Criteria: LabCorp Variant Classification Summary - May 2015. Collection method: clinical testing. Allele origin: germline.
Comment: Variant summary: PRSS1 c.508A>G (p.Lys170Glu) results in a conservative amino acid change located in the Serine proteases, trypsin domain (IPR001254) of the encoded protein sequence. Algorithms developed to predict the effect of missense changes on protein structure and function all suggest that this variant is likely to be tolerated. The variant allele was found at a frequency of 0.00065 in 1614114 control chromosomes in the gnomAD database, including 17 homozygotes. The observed variant frequency is approximately 3 fold of the estimated maximal expected allele frequency for a pathogenic variant in PRSS1 causing Chronic Pancreatitis Risk phenotype (0.00025). c.508A>G has been reported in individuals affected with pancreatitis and aplastic anemia (e.g., Rebours_2009, Zhang_2022), however without strong evidence for causality. These reports therefore do not provide unequivocal conclusions about association of the variant with Chronic Pancreatitis Risk. At least one publication reports experimental evidence evaluating an impact on protein function, finding that the variant leads to 130% increased trypsinogen secretion relative to wild type in an HEK 293T cell model (e.g., Schnur_2014). The following publications have been ascertained in the context of this evaluation (PMID: 18755888, 23455445, 35435273). ClinVar contains an entry for this variant (Variation ID: 518381). Based on the evidence outlined above, the variant was classified as likely benign.

GeneDx
Classification: Uncertain significance. Last evaluated: 2025-01-10. Review status: criteria provided, single submitter. Criteria: GeneDx Variant Classification Process June 2021. Collection method: clinical testing. Allele origin: germline.
Comment: In silico analysis indicates that this missense variant does not alter protein structure/function; Published functional studies suggest this variant may be associated with a modest increase in trypsinogen secretion and enzymatic activity (PMID: 23455445); This variant is associated with the following publications: (PMID: 27884173, 24458023, 33257277, 35435273, 18755888, 18184119, 26784911, 37603299, 37581535, 20452997, 23455445)

ARUP Laboratories, Molecular Genetics and Genomics, ARUP Laboratories
Classification: Uncertain significance for Hereditary pancreatitis. Last evaluated: 2023-08-07. Review status: criteria provided, single submitter. Criteria: ARUP Molecular Germline Variant Investigation Process 2024. Collection method: clinical testing. Allele origin: germline.
Comment: The PRSS1 c.508A>G; In addition, a single functional study on p.Lys170Glu showed approximately a 30 percent increased trypsinogen secretion and enzyme activity level (Schnur 2014), suggesting that this variant is likely to confer an increased risk for pancreatitis. This variant is also reported in ClinVar (Variation ID: 518381). It is observed in the general population with an overall allele frequency of 0.03% (49/152158 alleles, including 2 homozygotes) in the Genome Aggregation Database (gnomAD v3.1.2). Computational analyses are uncertain whether this variant is neutral or deleterious (REVEL: 0.284). Based on the available information, the clinical significance of this variant is uncertain at this time. References: Paliwal S et al. Association Analysis of PRSS1-PRSS2 and CLDN2-MORC4 Variants in Nonalcoholic Chronic Pancreatitis Using Tropical Calcific Pancreatitis as Model. Pancreas. 2016 Sep;45(8):1153-7. PMID: 26784911. Rebours V et al. The natural history of hereditary pancreatitis: a national series. Gut. 2009 Jan;58(1):97-103. PMID: 18755888. Schnur A et al. Functional effects of 13 rare PRSS1 variants presumed to cause chronic pancreatitis. Gut. 2014 Feb;63(2):337-43. PMID: 23455445.

Sema4
Classification: Benign for Hereditary pancreatitis. Last evaluated: 2019-12-09. Review status: criteria provided, single submitter. Criteria: Sema4 Curation Guidelines. Collection method: curation. Allele origin: germline.

Ambry Genetics
Classification: Benign for Hereditary pancreatitis. Last evaluated: 2015-01-07. Review status: criteria provided, single submitter. Criteria: Ambry Variant Classification Scheme 2023. Collection method: clinical testing. Allele origin: germline.

Literature cited by the submitters: PubMed 18755888 (cited by Women's Health and Genetics/Laboratory Corporation of America, LabCorp and Ambry Genetics); PubMed 23455445 (cited by Women's Health and Genetics/Laboratory Corporation of America, LabCorp and Ambry Genetics); PubMed 35435273 (cited by Women's Health and Genetics/Laboratory Corporation of America, LabCorp); PubMed 20452997 (cited by Ambry Genetics).